The following is an entry in ClinVar:

NM_023067.4(FOXL2):c.184_198dup (p.Leu62_Ala66dup)

Gene: FOXL2 (forkhead box L2; minus strand). Cytogenetic location: 3q22.3.
Variant type: Duplication.
Coding change: c.184_198dup on transcript NM_023067.4 (MANE Select); coding-DNA positions 184 to 198, 15 bases duplicated (CTCATCGCCATGGCG).
Protein change: p.Leu62_Ala66dup.
Molecular consequence: inframe insertion.
Genome position (GRCh38, 1-based): chr3:138,946,525-138,946,539, CGCCATGGCGATGAG duplicated on the plus strand (CTCATCGCCATGGCG on the coding strand, the reverse complement: FOXL2 is on the minus strand); duplicating any 15 consecutive bases within chr3:138,946,525-138,946,544 gives the same sequence; the c. name uses the placement nearest the transcript's 3' end. VCF-style (leftmost placement, unchanged base first): chr3-138946524-T-TCGCCATGGCGATGAG. GRCh37 (hg19) VCF-style: chr3-138665366-T-TCGCCATGGCGATGAG.
Identifiers: ClinVar variation 369890 (VCV000369890.1), dbSNP rs1057516143, ClinGen allele CA10654902.

ClinVar aggregate classification (germline): Uncertain significance (1 of 4 stars; one submission).

Conditions:
Blepharophimosis, ptosis, and epicanthus inversus syndrome. Identifiers: Orphanet 126, MedGen C0220663, MONDO:0007201, OMIM 110100.

Submission:

Genomic Diagnostic Laboratory, Division of Genomic Diagnostics, Children's Hospital of Philadelphia
Classification: Uncertain significance for Blepharophimosis, ptosis, and epicanthus inversus syndrome. Last evaluated: 2016-11-03. Review status: criteria provided, single submitter. Criteria: DGD Variant Analysis Guidelines. Collection method: clinical testing. Allele origin: germline. Affected: yes. Observed: 1 variant allele.
Comment: Clinical Testing